The following is an entry in ClinVar:

NM_006386.5(DDX17):c.1674_1682del (p.Gly561_Gly563del)

Gene: DDX17 (DEAD-box helicase 17; minus strand). Cytogenetic location: 22q13.1.
Variant type: Deletion.
Coding change: c.1674_1682del on transcript NM_006386.5 (MANE Select); coding-DNA positions 1674 to 1682, 9 bases deleted (CGGAGGCGG; older notation c.1674_1682delCGGAGGCGG).
Protein change: p.Gly561_Gly563del.
Genome position (GRCh38, 1-based): chr22:38,487,881-38,487,889, CCGCCTCCG deleted on the plus strand (CGGAGGCGG on the coding strand, the reverse complement: DDX17 is on the minus strand); deleting any 9 consecutive bases within chr22:38,487,881-38,487,897 gives the same sequence; the c. name uses the placement nearest the transcript's 3' end. VCF-style (leftmost placement, unchanged base first): chr22-38487880-CCCGCCTCCG-C. GRCh37 (hg19) VCF-style: chr22-38883885-CCCGCCTCCG-C.
Other names: c.1674_1682del, p.Gly560_Gly562del (NM_001098504.2).
Identifiers: ClinVar variation 3378068 (VCV003378068.2).
Genomic context (GRCh38, chr22:38,487,880, plus strand): 5'-ACAGAAGGCGTAAAGAGATACCTTGGCAGTACCTGGAAAACTCCAGGACTTACCCTTACC[CCCGCCTCCG>C]CCGCCTCCTCTGTGGTCCACAAGCTGCATCAGTTTTGGATTGATAGCCTGATTGGCCTCT-3'

ClinVar aggregate classification (germline): Uncertain significance (1 of 4 stars; one submission).

Submission:

GeneDx
Classification: Uncertain significance. Last evaluated: 2026-08-15. Review status: criteria provided, single submitter. Criteria: GeneDx Variant Classification Process June 2021. Collection method: clinical testing. Allele origin: germline.
Comment: In-frame deletion of 3 amino acid(s) in a non-repeat region; Not observed at significant frequency in large population cohorts (gnomAD); Has not been previously published as pathogenic or benign to our knowledge; In silico analysis does not support a benign or deleterious effect of this variant on protein structure/function